The following is an entry in ClinVar:

ClinVar aggregate classification (germline): Uncertain significance. Review status: criteria provided, single submitter (1 of 4 stars). 2 submissions from 1 submitter: Uncertain significance (2). Last evaluated 2018-11-02.

Conditions:
Kabuki syndrome 1 (KABUK1). Also called: KMT2D-Related Kabuki Syndrome. Identifiers: Orphanet 2322, MedGen CN030661, MONDO:0007843, OMIM 147920.
Choanal atresia-athelia-hypothyroidism-delayed puberty-short stature syndrome (BCAHH). Also called: BRANCHIAL ARCH ABNORMALITIES, CHOANAL ATRESIA, ATHELIA, HEARING LOSS, AND HYPOTHYROIDISM SYNDROME. Identifiers: Orphanet 589856, MedGen C5680310, MONDO:0035651, OMIM 620186.

Allele frequency attached by ClinVar (database versions not stated): gnomAD 0.00001.
gnomAD v4.1: 1 of 1,613,680 alleles (0.000062%); highest among the groups gnomAD compares: Admixed American, 0.0017%; no homozygotes.

Submissions (2):

Center for Genomics, Ann and Robert H. Lurie Children's Hospital of Chicago
Classification: Uncertain significance for Kabuki syndrome 1. Last evaluated: 2018-11-02. Review status: criteria provided, single submitter. Criteria: ACMG Guidelines, 2015. Collection method: clinical testing. Allele origin: germline.
Comment: KMT2D NM_003482.3 exon 31 p.Pro2301Leu (c.6902C>T): This variant has not been reported in the literature and is not present in large control databases. Evolutionary conservation and computational predictive tools for this variant are unclear. In summary, data on this variant is insufficient for disease classification. Therefore, the clinical significance of this variant is uncertain.

Center for Genomics, Ann and Robert H. Lurie Children's Hospital of Chicago
Classification: Uncertain significance for Choanal atresia-athelia-hypothyroidism-delayed puberty-short stature syndrome; Kabuki syndrome 1. Review status: criteria provided, single submitter. Criteria: ACMG Guidelines, 2015. Collection method: clinical testing. Allele origin: germline.
Comment: the same text as in the submission from Center for Genomics, Ann and Robert H. Lurie Children's Hospital of Chicago above.

NM_003482.4(KMT2D):c.6902C>T (p.Pro2301Leu)

Gene: KMT2D (lysine methyltransferase 2D; minus strand). Cytogenetic location: 12q13.12.
Variant type: single nucleotide variant.
Coding change: c.6902C>T on transcript NM_003482.4 (MANE Select); coding-DNA position 6902, C replaced by T.
Protein change: p.Pro2301Leu; replaces proline 2301 with leucine.
Molecular consequence: missense variant.
Genome position (GRCh38, 1-based): chr12:49,040,868, G>A on the plus strand (C>T on the coding strand, the complement: KMT2D is on the minus strand). VCF-style: chr12-49040868-G-A. GRCh37 (hg19) VCF-style: chr12-49434651-G-A.
Other names: short protein forms P2301L.
Identifiers: ClinVar variation 626128 (VCV000626128.3), dbSNP rs1565794840, ClinGen allele CA384749319.